The following is an entry in ClinVar:

ClinVar aggregate classification (germline): Uncertain significance. Review status: criteria provided, multiple submitters, no conflicts (2 of 4 stars). 2 submissions from 2 submitters: Uncertain significance (2). Last evaluated 2024-12-07.

Conditions:
Short-rib thoracic dysplasia 14 with polydactyly (SRTD14). Identifiers: Orphanet 397715, MedGen C4225286, MONDO:0014688, OMIM 616546.
Joubert syndrome 23 (JBTS23). Identifiers: Orphanet 475, MedGen C4084822, MONDO:0014664, OMIM 616490.
Inborn genetic diseases. Identifiers: MedGen C0950123, MeSH D030342.

Allele frequency attached by ClinVar (database versions not stated): TOPMed below 0.00001; gnomAD 0.00001; gnomAD exomes 0.00006; ExAC 0.00022.
gnomAD v4.1: 84 of 1,611,914 alleles (0.0052%); highest among the groups gnomAD compares: South Asian, 0.089%; 1 homozygote.

Submissions (2):

Ambry Genetics
Classification: Uncertain significance for Inborn genetic diseases. Last evaluated: 2024-12-07. Review status: criteria provided, single submitter. Criteria: Ambry Variant Classification Scheme 2023. Collection method: clinical testing. Allele origin: germline.

Labcorp Genetics (formerly Invitae), Labcorp
Classification: Uncertain significance for Joubert syndrome 23; Short-rib thoracic dysplasia 14 with polydactyly. Last evaluated: 2022-05-25. Review status: criteria provided, single submitter. Criteria: Invitae Variant Classification Sherloc (09022015). Collection method: clinical testing. Allele origin: germline.
Comment: This variant is present in population databases (rs756320285, gnomAD 0.1%). In summary, the available evidence is currently insufficient to determine the role of this variant in disease. Therefore, it has been classified as a Variant of Uncertain Significance. Algorithms developed to predict the effect of missense changes on protein structure and function are either unavailable or do not agree on the potential impact of this missense change (SIFT: "Deleterious"; PolyPhen-2: "Possibly Damaging"; Align-GVGD: "Class C0"). This variant has not been reported in the literature in individuals affected with KIAA0586-related conditions. This sequence change replaces histidine, which is basic and polar, with tyrosine, which is neutral and polar, at codon 273 of the KIAA0586 protein (p.His273Tyr).

NM_001329943.3(KIAA0586):c.658C>T (p.His220Tyr)

Gene: KIAA0586 (KIAA0586; plus strand). Cytogenetic location: 14q23.1.
Variant type: single nucleotide variant.
Coding change: c.658C>T on transcript NM_001329943.3 (MANE Select); coding-DNA position 658, C replaced by T.
Protein change: p.His220Tyr; replaces histidine 220 with tyrosine.
Molecular consequence: missense variant.
Genome position (GRCh38, 1-based): chr14:58,444,026, C>T. VCF-style: chr14-58444026-C-T. GRCh37 (hg19) VCF-style: chr14-58910744-C-T.
Other names: c.817C>T, p.His273Tyr (NM_001244189.2); c.613C>T, p.His205Tyr (NM_001244190.2); c.403C>T, p.His135Tyr (NM_001244191.2, NM_001329945.2, NM_001364700.1 and 1 more transcripts); c.526C>T, p.His176Tyr (NM_001244192.2); c.238C>T, p.His80Tyr (NM_001244193.2); c.658C>T, p.His220Tyr (NM_001329944.2, NM_001329946.2, NM_001329947.2 and 1 more transcripts); c.658C>T (NM_014749.3); short protein forms H205Y, H80Y, H176Y, H220Y, H135Y, H273Y.
Identifiers: ClinVar variation 2196457 (VCV002196457.3), dbSNP rs756320285, ClinGen allele CA7205445.